The following is an entry in ClinVar:

NM_006059.4(LAMC3):c.4629C>G (p.Ile1543Met)

Gene: LAMC3 (laminin subunit gamma 3; plus strand). Cytogenetic location: 9q34.12.
Variant type: single nucleotide variant.
Coding change: c.4629C>G on transcript NM_006059.4 (MANE Select); coding-DNA position 4629, C replaced by G.
Protein change: p.Ile1543Met; replaces isoleucine 1543 with methionine.
Molecular consequence: missense variant.
Genome position (GRCh38, 1-based): chr9:131,091,688, C>G. VCF-style: chr9-131091688-C-G. GRCh37 (hg19) VCF-style: chr9-133967075-C-G.
Other names: short protein forms I1543M.
Identifiers: ClinVar variation 1519532 (VCV001519532.4), dbSNP rs751177823, ClinGen allele CA5288233.

ClinVar aggregate classification (germline): Uncertain significance (1 of 4 stars; one submission).

Allele frequency attached by ClinVar (database versions not stated): gnomAD exomes below 0.00001; TOPMed below 0.00001; ExAC 0.00001.
gnomAD v4.1: 1 of 1,610,878 alleles (0.000062%); highest among the groups gnomAD compares: Non-Finnish European, 0.000085%; no homozygotes.

Submission:

Labcorp Genetics (formerly Invitae), Labcorp
Classification: Uncertain significance. Last evaluated: 2023-07-17. Review status: criteria provided, single submitter. Criteria: Invitae Variant Classification Sherloc (09022015). Collection method: clinical testing. Allele origin: germline.
Comment: This sequence change replaces isoleucine, which is neutral and non-polar, with methionine, which is neutral and non-polar, at codon 1543 of the LAMC3 protein (p.Ile1543Met). This variant is present in population databases (rs751177823, gnomAD 0.0009%). This variant has not been reported in the literature in individuals affected with LAMC3-related conditions. ClinVar contains an entry for this variant (Variation ID: 1519532). An algorithm developed to predict the effect of missense changes on protein structure and function (PolyPhen-2) suggests that this variant¬†is likely to be tolerated. In summary, the available evidence is currently insufficient to determine the role of this variant in disease. Therefore, it has been classified as a Variant of Uncertain Significance.